The following is an entry in ClinVar:

ClinVar aggregate classification (germline): Uncertain significance (1 of 4 stars; one submission).

Conditions:
Growth hormone insensitivity with immune dysregulation 1, autosomal recessive. Also called: LARON SYNDROME DUE TO POSTRECEPTOR DEFECT; GROWTH HORMONE INSENSITIVITY SYNDROME WITH IMMUNE DYSREGULATION 1, AUTOSOMAL RECESSIVE; GROWTH HORMONE INSENSITIVITY DUE TO POSTRECEPTOR DEFECT; Laron syndrome with immunodeficiency. Identifiers: Orphanet 220465, MedGen C5435698, MONDO:0100211, OMIM 245590.

Allele frequency attached by ClinVar (database versions not stated): ExAC 0.00001; gnomAD exomes 0.00001 and 0.00003; gnomAD 0.00003; TOPMed 0.00003.
gnomAD v4.1: 44 of 1,614,008 alleles (0.0027%); highest among the groups gnomAD compares: Non-Finnish European, 0.0033%; no homozygotes.

Submission:

Labcorp Genetics (formerly Invitae), Labcorp
Classification: Uncertain significance for Growth hormone insensitivity with immune dysregulation 1, autosomal recessive. Last evaluated: 2021-03-30. Review status: criteria provided, single submitter. Criteria: Invitae Variant Classification Sherloc (09022015). Collection method: clinical testing. Allele origin: germline.
Comment: In summary, the available evidence is currently insufficient to determine the role of this variant in disease. Therefore, it has been classified as a Variant of Uncertain Significance. Algorithms developed to predict the effect of missense changes on protein structure and function output the following: SIFT: "Tolerated"; PolyPhen-2: "Benign"; Align-GVGD: "Class C0". The alanine amino acid residue is found in multiple mammalian species, suggesting that this missense change does not adversely affect protein function. These predictions have not been confirmed by published functional studies and their clinical significance is uncertain. This variant has not been reported in the literature in individuals with STAT5B-related disease. This variant is present in population databases (rs746169589, ExAC 0.002%). This sequence change replaces glycine with alanine at codon 187 of the STAT5B protein (p.Gly187Ala). The glycine residue is weakly conserved and there is a small physicochemical difference between glycine and alanine.

NM_012448.4(STAT5B):c.560G>C (p.Gly187Ala)

Gene: STAT5B (signal transducer and activator of transcription 5B; minus strand). Cytogenetic location: 17q21.2.
Variant type: single nucleotide variant.
Coding change: c.560G>C on transcript NM_012448.4 (MANE Select); coding-DNA position 560, G replaced by C.
Protein change: p.Gly187Ala; replaces glycine 187 with alanine.
Molecular consequence: missense variant.
Genome position (GRCh38, 1-based): chr17:42,219,833, C>G on the plus strand (G>C on the coding strand, the complement: STAT5B is on the minus strand). VCF-style: chr17-42219833-C-G. GRCh37 (hg19) VCF-style: chr17-40371851-C-G.
Other names: short protein forms G187A.
Identifiers: ClinVar variation 1385589 (VCV001385589.8), dbSNP rs746169589, ClinGen allele CA8574237.
Genomic context (GRCh38, chr17:42,219,833, plus strand): 5'-TTCTGCTGGAGGGCCGTCTCCCGGCTCAGACGCTCCTGGGGGCTCAGCTGGGCCAGCGGG[C>G]CAAACTGAGCTAGAGGAGGGGAGAGGAAACCATGACCATCACCTCCCAGTGTCCAACAGG-3'
Protein context (NP_036580.2, residues 177-197): QESLRIQAQF[Gly187Ala]PLAQLSPQER